The following is an entry in ClinVar:

ClinVar aggregate classification (germline): Pathogenic (1 of 4 stars; one submission).

Conditions:
Fabry disease. Also called: ALPHA-GALACTOSIDASE A DEFICIENCY; ANDERSON-FABRY DISEASE; CERAMIDE TRIHEXOSIDASE DEFICIENCY; GLA DEFICIENCY; HEREDITARY DYSTOPIC LIPIDOSIS; Angiokeratoma corporis diffusum. Identifiers: Orphanet 324, MedGen C0002986, MONDO:0010526, OMIM 301500, HP:0001071. Disease mechanism: Fabry disease is due to inactivating mutations in the X-linked GLA gene resulting in deficiency of the enzyme Alpha Galactosidase-A., loss of function.

Submission:

Genomenon, Inc
Classification: Pathogenic for Fabry disease. Last evaluated: 2026-09-08. Review status: criteria provided, single submitter. Criteria: Genomenon Sequence Variant Interpretation Standards - Updated. Collection method: curation. Allele origin: germline. Affected: yes.
Comment: GLA p.Asp101PhefsTer21 (c.297_298del) is a frameshift variant that is predicted to introduce a premature termination codon and result in a truncated or absent protein product. This variant has been observed in at least one proband with clinical features consistent with Fabry disease (PMID:11076046;39766319). Functional or patient cell studies have been reported (PMID:28835480;20505683). It is absent or not present at a significant frequency in gnomAD. In conclusion, we classify GLA p.Asp101PhefsTer21 (c.297_298del) as a pathogenic variant.

Literature cited by the submitters: PubMed 11076046; PubMed 39766319; PubMed 28835480; PubMed 20505683.

NM_000169.3(GLA):c.297_298del (p.Asp101fs)

Genes: GLA (galactosidase alpha; minus strand), RPL36A-HNRNPH2 (RPL36A-HNRNPH2 readthrough; plus strand). Cytogenetic location: Xq22.1.
Variant type: Deletion.
Coding change: c.297_298del on transcript NM_000169.3 (MANE Select); coding-DNA positions 297 to 298, 2 bases deleted (AA; older notation c.297_298delAA).
Protein change: p.Asp101fs; shifts the reading frame from aspartic acid 101.
Molecular consequence: frameshift variant. On other transcripts: non-coding transcript variant (3), intron variant (2).
Genome position (GRCh38, 1-based): chrX:101,403,882-101,403,883, TT deleted on the plus strand (AA on the coding strand, the reverse complement: GLA is on the minus strand); deleting any 2 consecutive bases within chrX:101,403,882-101,403,884 gives the same sequence; the c. name uses the placement nearest the transcript's 3' end. VCF-style (leftmost placement, unchanged base first): chrX-101403881-CTT-C. GRCh37 (hg19) VCF-style: chrX-100658869-CTT-C.
Other names: c.420_421del, p.Asp142fs (NM_001406747.1, NM_001406749.1); c.297_298del, p.Asp101fs (NM_001406748.1); c.301-8053_301-8052del (NM_001199973.2); c.178-8053_178-8052del (NM_001199974.2); short protein forms D101fs, D142fs.
Identifiers: ClinVar variation 4086941 (VCV004086941.2).